The following is an entry in ClinVar:

ClinVar aggregate classification (germline): Likely benign (1 of 4 stars; one submission).

Conditions:
Malignant hyperthermia, susceptibility to, 5 (MHS5). Also called: CACNA1S-Related Malignant Hyperthermia Susceptibility. Identifiers: Orphanet 423, MedGen C1866077, MONDO:0011163, OMIM 601887.

Submission:

All of Us Research Program, National Institutes of Health
Classification: Likely benign for Malignant hyperthermia, susceptibility to, 5. Last evaluated: 2024-04-25. Review status: criteria provided, single submitter. Criteria: ACMG Guidelines, 2015. Collection method: clinical testing. Allele origin: germline. Inheritance: Autosomal dominant inheritance. Observed: 1 variant allele, 1 heterozygote.
Comment: This study involves interpretation of variants in research participants for the purpose of population health screening. Participant phenotype was not available at the time of variant classification. Additional details can be found in publication PMID: 35346344, PMCID: PMC8962531

NM_000069.3(CACNA1S):c.105C>T (p.Thr35=)

Gene: CACNA1S (calcium voltage-gated channel subunit alpha1 S; minus strand). Cytogenetic location: 1q32.1.
Variant type: single nucleotide variant.
Coding change: c.105C>T on transcript NM_000069.3 (MANE Select); coding-DNA position 105, C replaced by T.
Protein change: p.Thr35=; no amino-acid change (threonine 35 retained).
Molecular consequence: synonymous variant.
Genome position (GRCh38, 1-based): chr1:201,112,235, G>A on the plus strand (C>T on the coding strand, the complement: CACNA1S is on the minus strand). VCF-style: chr1-201112235-G-A. GRCh37 (hg19) VCF-style: chr1-201081363-G-A.
Identifiers: ClinVar variation 3386415 (VCV003386415.1).